The following is an entry in ClinVar:

NM_013247.5(HTRA2):c.559G>A (p.Val187Met)

Genes: HTRA2 (HtrA serine peptidase 2; plus strand), LOC129934141 (ATAC-STARR-seq lymphoblastoid active region 16073; plus strand). Cytogenetic location: 2p13.1.
Variant type: single nucleotide variant.
Coding change: c.559G>A on transcript NM_013247.5 (MANE Select); coding-DNA position 559, G replaced by A.
Protein change: p.Val187Met; replaces valine 187 with methionine.
Molecular consequence: missense variant. On other transcripts: non-coding transcript variant (4).
Genome position (GRCh38, 1-based): chr2:74,530,669, G>A. VCF-style: chr2-74530669-G-A. GRCh37 (hg19) VCF-style: chr2-74757796-G-A.
Other names: c.559G>A, p.Val187Met (NM_001321727.1, NM_001321728.1, NM_145074.2); short protein forms V187M.
Identifiers: ClinVar variation 3375784 (VCV003375784.1).

ClinVar aggregate classification (germline): Uncertain significance (1 of 4 stars; one submission).

Submission:

GeneDx
Classification: Uncertain significance. Last evaluated: 2024-05-06. Review status: criteria provided, single submitter. Criteria: GeneDx Variant Classification Process June 2021. Collection method: clinical testing. Allele origin: germline. Affected: yes.
Comment: Not observed at significant frequency in large population cohorts (gnomAD); In silico analysis supports that this missense variant does not alter protein structure/function; Has not been previously published as pathogenic or benign to our knowledge